The following is an entry in ClinVar:

NM_024757.5(EHMT1):c.43C>T (p.Pro15Ser)

Gene: EHMT1 (euchromatic histone lysine methyltransferase 1; plus strand). Cytogenetic location: 9q34.3.
Variant type: single nucleotide variant.
Coding change: c.43C>T on transcript NM_024757.5 (MANE Select); coding-DNA position 43, C replaced by T.
Protein change: p.Pro15Ser; replaces proline 15 with serine.
Molecular consequence: missense variant. On other transcripts: intron variant (2).
Genome position (GRCh38, 1-based): chr9:137,710,988, C>T. VCF-style: chr9-137710988-C-T. GRCh37 (hg19) VCF-style: chr9-140605440-C-T.
Other names: c.43C>T, p.Pro15Ser (NM_001145527.2, NM_001354263.2, NM_001354611.2); c.-8-5638C>T (NM_001354259.2, NM_001354612.2); short protein forms P15S.
Identifiers: ClinVar variation 167033 (VCV000167033.8), dbSNP rs727503916, ClinGen allele CA233949.
Genomic context (GRCh38, chr9:137,710,988, plus strand): 5'-CACTGAACCCGGCTGACGGCTGTTGTTTCTCTCTAACAGGCAGTTCCGGCGAGGGGGGAG[C>T]CTCAGCAGGATTGCTGTGTGAAAACCGAGCTGCTGGGAGAAGGTGAGGGCGGTGTGCACC-3'
Protein context (NP_079033.4, residues 5-25): DAEAVPARGE[Pro15Ser]QQDCCVKTEL

ClinVar aggregate classification (germline): Uncertain significance. Review status: criteria provided, multiple submitters, no conflicts (2 of 4 stars). 2 submissions from 2 submitters: Uncertain significance (2). Last evaluated 2024-12-07.

Conditions:
Kleefstra syndrome 1 (KLEFS1). Identifiers: Orphanet 261494, MedGen C0795833, MONDO:0027407, OMIM 610253.

Allele frequency attached by ClinVar (database versions not stated): gnomAD 0.00001; gnomAD exomes below 0.00001; TOPMed 0.00001.
gnomAD v4.1: 5 of 1,598,558 alleles (0.00031%); highest among the groups gnomAD compares: Non-Finnish European, 0.00026%; no homozygotes.

Submissions (2):

Labcorp Genetics (formerly Invitae), Labcorp
Classification: Uncertain significance for Kleefstra syndrome 1. Last evaluated: 2024-12-07. Review status: criteria provided, single submitter. Criteria: Invitae Variant Classification Sherloc (09022015). Collection method: clinical testing. Allele origin: germline.
Comment: This sequence change replaces proline, which is neutral and non-polar, with serine, which is neutral and polar, at codon 15 of the EHMT1 protein (p.Pro15Ser). This variant is not present in population databases (gnomAD no frequency). This variant has not been reported in the literature in individuals affected with EHMT1-related conditions. ClinVar contains an entry for this variant (Variation ID: 167033). An algorithm developed to predict the effect of missense changes on protein structure and function (PolyPhen-2) suggests that this variant is likely to be tolerated. In summary, the available evidence is currently insufficient to determine the role of this variant in disease. Therefore, it has been classified as a Variant of Uncertain Significance.

Eurofins Ntd Llc (ga)
Classification: Uncertain significance. Last evaluated: 2014-04-08. Review status: criteria provided, single submitter. Criteria: EGL Classification Definitions 2015. Collection method: clinical testing. Allele origin: germline. Observed: 1 variant allele, 1 heterozygote.